The following is an entry in ClinVar:

NM_001379200.1(TBX1):c.1153GCCGGCGGC[1] (p.385AGG[1])

Gene: TBX1 (T-box transcription factor 1; plus strand). Cytogenetic location: 22q11.21.
Variant type: Microsatellite.
Coding change: c.1153GCCGGCGGC[1] on transcript NM_001379200.1 (MANE Select); one copy of the 9-base unit GCCGGCGGC starting at c.1153; the reference has two copies in a row; one copy, 9 bases deleted.
Protein change: p.385AGG[1].
Molecular consequence: inframe deletion. On other transcripts: intron variant (2).
Genome position (GRCh38, 1-based): chr22:19,766,514-19,766,522, GCCGGCGGC deleted; deleting any 9 consecutive bases within chr22:19,766,505-19,766,522 gives the same sequence; the position shown is the placement nearest the transcript's 3' end. VCF-style (leftmost placement, unchanged base first): chr22-19766504-GGCCGGCGGC-G. GRCh37 (hg19) VCF-style: chr22-19754027-GGCCGGCGGC-G.
Other names: c.1126GCCGGCGGC[1], p.376AGG[1] (NM_080647.1); c.1009+512_1009+520del (NM_005992.1, NM_080646.2); c.1135_1143del (NM_080647.1).
Identifiers: ClinVar variation 1060987 (VCV001060987.9), dbSNP rs1288296547, ClinGen allele CA513687208.
Genomic context (GRCh38, chr22:19,766,504, plus strand): 5'-CGGGGACCCGGCGCATCCTCCGCAGCTGCTGGCCCGGGTGCTAAGCCCCTCGCTGCCCGG[GGCCGGCGGC>G]GCCGGCGGCTTAGTCCCGCTGCCCGGCGCGCCCGGAGGCCGGCCCAGTCCCCCGAACCCC-3'

ClinVar aggregate classification (germline): Uncertain significance. Review status: criteria provided, multiple submitters, no conflicts (2 of 4 stars). 3 submissions from 3 submitters: Uncertain significance (3). Last evaluated 2025-10-29.

Conditions:
Conotruncal heart malformations (CTHM). Also called: Conotruncal heart malformations, variable. Identifiers: Orphanet 2445, Orphanet 3384, Orphanet 3426, MedGen C1857586, MONDO:0016581, OMIM 217095.
DiGeorge syndrome. Also called: THIRD AND FOURTH PHARYNGEAL POUCH SYNDROME; Catch22. Identifiers: Orphanet 567, MedGen C0012236, MONDO:0008564, OMIM 188400.
Tetralogy of Fallot (TOF). Identifiers: Orphanet 3303, MedGen C0039685, MONDO:0008542, OMIM 187500, HP:0001636.
Velocardiofacial syndrome (VCFS). Also called: SHPRINTZEN VCF SYNDROME; VCF SYNDROME; Shprintzen syndrome. Identifiers: Orphanet 567, MedGen C0220704, MONDO:0008644, OMIM 192430. Disease mechanism: loss of function.

Submissions (3):

Labcorp Genetics (formerly Invitae), Labcorp
Classification: Uncertain significance for DiGeorge syndrome. Last evaluated: 2025-10-29. Review status: criteria provided, single submitter. Criteria: Invitae Variant Classification Sherloc (09022015). Collection method: clinical testing. Allele origin: germline.
Comment: This variant, c.1135_1143del, results in the deletion of 3 amino acid(s) of the TBX1 protein (p.Ala379_Gly381del), but otherwise preserves the integrity of the reading frame. This variant is present in population databases (no rsID available, gnomAD 0.01%). This variant has been observed in individual(s) with ventricular septal defects (PMID: 15060116). ClinVar contains an entry for this variant (Variation ID: 1060987). Experimental studies and prediction algorithms are not available or were not evaluated, and the functional significance of this variant is currently unknown. In summary, the available evidence is currently insufficient to determine the role of this variant in disease. Therefore, it has been classified as a Variant of Uncertain Significance.

GeneDx
Classification: Uncertain significance. Last evaluated: 2024-12-18. Review status: criteria provided, single submitter. Criteria: GeneDx Variant Classification Process June 2021. Collection method: clinical testing. Allele origin: germline. Affected: yes.
Comment: In-frame deletion of three amino acids in a non-repeat region; In silico analysis indicates that this variant does not alter protein structure/function; This variant is associated with the following publications: (PMID: 15060116, 20497191)

Fulgent Genetics
Classification: Uncertain significance for Tetralogy of Fallot; DiGeorge syndrome; Velocardiofacial syndrome; Conotruncal heart malformations. Last evaluated: 2021-08-21. Review status: criteria provided, single submitter. Criteria: ACMG Guidelines, 2015. Collection method: clinical testing. Allele origin: unknown.

Literature cited by the submitters: PubMed 15060116 (cited by Labcorp Genetics (formerly Invitae), Labcorp).